The following is an entry in ClinVar:

ClinVar aggregate classification (germline): Uncertain significance (1 of 4 stars; one submission).

Allele frequency attached by ClinVar (database versions not stated): gnomAD exomes below 0.00001 and 0.00001; ExAC 0.00002; gnomAD 0.00004 and 0.00009; TOPMed 0.00004.

Submission:

Labcorp Genetics (formerly Invitae), Labcorp
Classification: Uncertain significance. Last evaluated: 2025-04-11. Review status: criteria provided, single submitter. Criteria: Invitae Variant Classification Sherloc (09022015). Collection method: clinical testing. Allele origin: germline.
Comment: This sequence change replaces proline, which is neutral and non-polar, with glutamine, which is neutral and polar, at codon 526 of the ZNF513 protein (p.Pro526Gln). This variant is present in population databases (rs376865509, gnomAD 0.02%). This variant has not been reported in the literature in individuals affected with ZNF513-related conditions. ClinVar contains an entry for this variant (Variation ID: 1043640). An algorithm developed to predict the effect of missense changes on protein structure and function (PolyPhen-2) suggests that this variant is likely to be tolerated. In summary, the available evidence is currently insufficient to determine the role of this variant in disease. Therefore, it has been classified as a Variant of Uncertain Significance.

NM_144631.6(ZNF513):c.1577C>A (p.Pro526Gln)

Gene: ZNF513 (zinc finger protein 513; minus strand). Cytogenetic location: 2p23.3.
Variant type: single nucleotide variant.
Coding change: c.1577C>A on transcript NM_144631.6 (MANE Select); coding-DNA position 1577, C replaced by A.
Protein change: p.Pro526Gln; replaces proline 526 with glutamine.
Molecular consequence: missense variant.
Genome position (GRCh38, 1-based): chr2:27,377,594, G>T on the plus strand (C>A on the coding strand, the complement: ZNF513 is on the minus strand). VCF-style: chr2-27377594-G-T. GRCh37 (hg19) VCF-style: chr2-27600461-G-T.
Other names: c.1391C>A, p.Pro464Gln (NM_001201459.2); short protein forms P526Q, P464Q.
Identifiers: ClinVar variation 1043640 (VCV001043640.6), dbSNP rs376865509, ClinGen allele CA1577773.